The following is an entry in ClinVar:

NM_004977.3(KCNC3):c.2060C>T (p.Pro687Leu)

Gene: KCNC3 (potassium voltage-gated channel subfamily C member 3; minus strand). Cytogenetic location: 19q13.33.
Variant type: single nucleotide variant.
Coding change: c.2060C>T on transcript NM_004977.3 (MANE Select); coding-DNA position 2060, C replaced by T.
Protein change: p.Pro687Leu; replaces proline 687 with leucine.
Molecular consequence: missense variant. On other transcripts: non-coding transcript variant (1).
Genome position (GRCh38, 1-based): chr19:50,320,703, G>A on the plus strand (C>T on the coding strand, the complement: KCNC3 is on the minus strand). VCF-style: chr19-50320703-G-A. GRCh37 (hg19) VCF-style: chr19-50823960-G-A.
Other names: c.1832C>T, p.Pro611Leu (NM_001372305.1); short protein forms P611L, P687L.
Identifiers: ClinVar variation 1937622 (VCV001937622.6), dbSNP rs774054106, ClinGen allele CA9594120.

ClinVar aggregate classification (germline): Uncertain significance. Review status: criteria provided, multiple submitters, no conflicts (2 of 4 stars). 2 submissions from 2 submitters: Uncertain significance (2). Last evaluated 2022-06-07.

Allele frequency attached by ClinVar (database versions not stated): ExAC 0.00002.
gnomAD v4.1: 14 of 1,613,786 alleles (0.00087%); highest among the groups gnomAD compares: African/African-American, 0.0013%; no homozygotes.

Submissions (2):

Labcorp Genetics (formerly Invitae), Labcorp
Classification: Uncertain significance. Last evaluated: 2022-06-07. Review status: criteria provided, single submitter. Criteria: Invitae Variant Classification Sherloc (09022015). Collection method: clinical testing. Allele origin: germline.
Comment: In summary, the available evidence is currently insufficient to determine the role of this variant in disease. Therefore, it has been classified as a Variant of Uncertain Significance. This sequence change replaces proline, which is neutral and non-polar, with leucine, which is neutral and non-polar, at codon 687 of the KCNC3 protein (p.Pro687Leu). This variant is present in population databases (rs774054106, gnomAD 0.0009%). This variant has not been reported in the literature in individuals affected with KCNC3-related conditions. Advanced modeling of protein sequence and biophysical properties (such as structural, functional, and spatial information, amino acid conservation, physicochemical variation, residue mobility, and thermodynamic stability) performed at Invitae indicates that this missense variant is expected to disrupt KCNC3 protein function.

Blueprint Genetics
Classification: Uncertain significance. Last evaluated: 2022-04-05. Review status: criteria provided, single submitter. Criteria: ACMG Guidelines, 2015. Collection method: clinical testing. Allele origin: germline.